The following is an entry in ClinVar:

NM_015272.5(RPGRIP1L):c.3879G>C (p.Arg1293Ser)

Gene: RPGRIP1L (RPGRIP1 like; minus strand). Cytogenetic location: 16q12.2.
Variant type: single nucleotide variant.
Coding change: c.3879G>C on transcript NM_015272.5 (MANE Select); coding-DNA position 3879, G replaced by C.
Protein change: p.Arg1293Ser; replaces arginine 1293 with serine.
Molecular consequence: missense variant.
Genome position (GRCh38, 1-based): chr16:53,602,145, C>G on the plus strand (G>C on the coding strand, the complement: RPGRIP1L is on the minus strand). VCF-style: chr16-53602145-C-G. GRCh37 (hg19) VCF-style: chr16-53636057-C-G.
Other names: c.3639G>C, p.Arg1213Ser (NM_001127897.4); c.3741G>C, p.Arg1247Ser (NM_001308334.3); c.3777G>C, p.Arg1259Ser (NM_001330538.2); short protein forms R1247S, R1293S, R1213S, R1259S.
Identifiers: ClinVar variation 5001281 (VCV005001281.1).

ClinVar aggregate classification (germline): Uncertain significance (1 of 4 stars; one submission).

Conditions:
RPGRIP1L-related disorder. Also called: RPGRIP1L-related disorders; RPGRIP1L-related condition. Identifiers: MedGen CN239416.

gnomAD v4.1: 1 of 1,613,864 alleles (0.000062%); highest among the groups gnomAD compares: African/African-American, 0.0013%; no homozygotes.

Submission:

PreventionGenetics, part of Exact Sciences
Classification: Uncertain significance for RPGRIP1L-related condition. Last evaluated: 2025-01-09. Review status: criteria provided, single submitter. Criteria: ACMG Guidelines, 2015. Collection method: clinical testing. Allele origin: germline.
Comment: The RPGRIP1L c.3879G>C variant is predicted to result in the amino acid substitution p.Arg1293Ser. To our knowledge, this variant has not been reported in the literature. This variant is reported in 0.0062% of alleles in individuals of African descent in gnomAD. At this time, the clinical significance of this variant is uncertain due to the absence of conclusive functional and genetic evidence.